The following is an entry in ClinVar:

ClinVar aggregate classification (germline): Likely benign. Review status: criteria provided, multiple submitters, no conflicts (2 of 4 stars). 2 submissions from 2 submitters: Likely benign (2). Last evaluated 2025-05-19.

Conditions:
Dilated cardiomyopathy 1G (CMD1G). Identifiers: Orphanet 154, MedGen C1858763, MONDO:0011400, OMIM 604145.
Autosomal recessive limb-girdle muscular dystrophy type 2J (LGMDR10). Also called: Limb-girdle muscular dystrophy, type 2J; MUSCULAR DYSTROPHY, LIMB-GIRDLE, AUTOSOMAL RECESSIVE 10. Identifiers: Orphanet 140922, MedGen C1837342, MONDO:0012127, OMIM 608807.

gnomAD v4.1: 1 of 1,612,998 alleles (0.000062%); highest among the groups gnomAD compares: Admixed American, 0.0017%; no homozygotes.

Submissions (2):

Labcorp Genetics (formerly Invitae), Labcorp
Classification: Likely benign for Dilated cardiomyopathy 1G; Autosomal recessive limb-girdle muscular dystrophy type 2J. Last evaluated: 2025-05-19. Review status: criteria provided, single submitter. Criteria: Invitae Variant Classification Sherloc (09022015). Collection method: clinical testing. Allele origin: germline.

GeneDx
Classification: Likely benign. Last evaluated: 2017-02-20. Review status: criteria provided, single submitter. Criteria: GeneDx Variant Classification (06012015). Collection method: clinical testing. Allele origin: germline. Affected: yes.
Comment: This variant is considered likely benign or benign based on one or more of the following criteria: it is a conservative change, it occurs at a poorly conserved position in the protein, it is predicted to be benign by multiple in silico algorithms, and/or has population frequency not consistent with disease.

NM_001267550.2(TTN):c.79482A>G (p.Ala26494=)

Genes: TTN-AS1 (TTN antisense RNA 1; plus strand), TTN (titin; minus strand). Cytogenetic location: 2q31.2.
Variant type: single nucleotide variant.
Coding change: c.79482A>G on transcript NM_001267550.2 (MANE Select); coding-DNA position 79482, A replaced by G.
Protein change: p.Ala26494=; no amino-acid change (alanine 26494 retained).
Molecular consequence: synonymous variant.
Genome position (GRCh38, 1-based): chr2:178,566,650, T>C on the plus strand (A>G on the coding strand, the complement: TTN is on the minus strand). VCF-style: chr2-178566650-T-C. GRCh37 (hg19) VCF-style: chr2-179431377-T-C.
Other names: c.74559A>G, p.Ala24853= (NM_001256850.1); c.52287A>G, p.Ala17429= (NM_003319.4); c.71778A>G, p.Ala23926= (NM_133378.4); c.52662A>G, p.Ala17554= (NM_133432.3); c.52863A>G, p.Ala17621= (NM_133437.4).
Identifiers: ClinVar variation 517752 (VCV000517752.4), dbSNP rs1350090724, ClinGen allele CA430252396.